The following is an entry in ClinVar:

ClinVar aggregate classification (germline): Likely pathogenic (1 of 4 stars; one submission).

Conditions:
Granulomatous disease, chronic, X-linked. Also called: GRANULOMATOUS DISEASE, CHRONIC, X-LINKED, SOMATIC MOSAIC; CYTOCHROME b-NEGATIVE GRANULOMATOUS DISEASE, CHRONIC, X-LINKED. Identifiers: Orphanet 379, MedGen C1844376, MONDO:0010600, OMIM 306400.

Submission:

Labcorp Genetics (formerly Invitae), Labcorp
Classification: Likely pathogenic for Chronic granulomatous disease, X-linked. Last evaluated: 2019-04-12. Review status: criteria provided, single submitter. Criteria: Invitae Variant Classification Sherloc (09022015). Collection method: clinical testing. Allele origin: germline.
Comment: This variant is a gross deletion of the genomic region encompassing exons 13 of the CYBB gene. The 5' boundary is likely confined to intron 12 The 3' end of this event is unknown as it extends through the termination codon beyond the assayed region for this gene and may encompass additional genes. While this deletion is not anticipated to result in nonsense mediated decay, it is expected to create a truncated protein product or disrupt mRNA translation. This variant has not been reported in the literature in individuals with CYBB-related conditions. This variant disrupts the C-terminus of the CYBB protein. Other variant(s) that disrupt this region (p.Lys548*, p.Gln549*, p.Gly560*) have been observed in individuals with CYBB-related conditions (PMID: 20729109, 11162142). This suggests that this may be a clinically significant region of the protein. In summary, the currently available evidence indicates that the variant is pathogenic, but additional data are needed to prove that conclusively. Therefore, this variant has been classified as Likely Pathogenic.

Literature cited by the submitters: PubMed 11162142; PubMed 20729109.

NC_000023.11:g.(?_37810771)_(37810937_?)del

Gene: CYBB (cytochrome b-245 beta chain; plus strand). Cytogenetic location: Xp11.4.
Variant type: Deletion.
Identifiers: ClinVar variation 830416 (VCV000830416.1).